The following is an entry in ClinVar:

ClinVar aggregate classification (germline): Uncertain significance. Review status: criteria provided, multiple submitters, no conflicts (2 of 4 stars). 3 submissions from 3 submitters: Uncertain significance (3). Last evaluated 2025-01-02.

Conditions:
Hereditary cancer-predisposing syndrome. Also called: Neoplastic Syndromes, Hereditary; Tumor predisposition; Hereditary neoplastic syndrome; Hereditary Cancer Syndrome. Identifiers: Orphanet 140162, MedGen C0027672, MeSH D009386, MONDO:0015356.
Familial cancer of breast. Also called: BREAST CANCER, FAMILIAL; Hereditary breast cancer; hereditary breast carcinoma. Identifiers: Orphanet 227535, MedGen C0346153, MONDO:0016419, OMIM 114480. Disease mechanism: loss of function.

Allele frequency attached by ClinVar (database versions not stated): gnomAD exomes below 0.00001; TOPMed below 0.00001; gnomAD 0.00001.

Submissions (3):

Ambry Genetics
Classification: Uncertain significance for Hereditary cancer-predisposing syndrome. Last evaluated: 2025-01-02. Review status: criteria provided, single submitter. Criteria: Ambry Variant Classification Scheme 2023. Collection method: clinical testing. Allele origin: germline.
Comment: The p.K268E variant (also known as c.802A>G), located in coding exon 4 of the PALB2 gene, results from an A to G substitution at nucleotide position 802. The lysine at codon 268 is replaced by glutamic acid, an amino acid with similar properties. This amino acid position is conserved. In addition, this alteration is predicted to be tolerated by in silico analysis. Since supporting evidence is limited at this time, the clinical significance of this alteration remains unclear.

Color Diagnostics, LLC DBA Color Health
Classification: Uncertain significance for Hereditary cancer-predisposing syndrome. Last evaluated: 2023-12-05. Review status: criteria provided, single submitter. Criteria: ACMG Guidelines, 2015. Collection method: clinical testing. Allele origin: germline.
Comment: This missense variant replaces lysine with glutamic acid at codon 268 of the PALB2 protein. Computational prediction suggests that this variant may not impact protein structure and function (internally defined REVEL score threshold <= 0.5, PMID: 27666373). To our knowledge, functional studies have not been reported for this variant. This variant has not been reported in individuals affected with PALB2-related disorders in the literature. This variant has not been identified in the general population by the Genome Aggregation Database (gnomAD). The available evidence is insufficient to determine the role of this variant in disease conclusively. Therefore, this variant is classified as a Variant of Uncertain Significance.

Labcorp Genetics (formerly Invitae), Labcorp
Classification: Uncertain significance for Familial cancer of breast. Last evaluated: 2021-03-12. Review status: criteria provided, single submitter. Criteria: Invitae Variant Classification Sherloc (09022015). Collection method: clinical testing. Allele origin: germline.
Comment: This sequence change replaces lysine with glutamic acid at codon 268 of the PALB2 protein (p.Lys268Glu). The lysine residue is moderately conserved and there is a small physicochemical difference between lysine and glutamic acid. This variant is not present in population databases (ExAC no frequency). This variant has not been reported in the literature in individuals with PALB2-related disease. Algorithms developed to predict the effect of missense changes on protein structure and function output the following: SIFT: "Tolerated"; PolyPhen-2: "Benign"; Align-GVGD: "Class C0". The glutamic acid amino acid residue is found in multiple mammalian species, suggesting that this missense change does not adversely affect protein function. These predictions have not been confirmed by published functional studies and their clinical significance is uncertain. In summary, the available evidence is currently insufficient to determine the role of this variant in disease. Therefore, it has been classified as a Variant of Uncertain Significance.

NM_024675.4(PALB2):c.802A>G (p.Lys268Glu)

Gene: PALB2 (partner and localizer of BRCA2; minus strand). Cytogenetic location: 16p12.2.
Variant type: single nucleotide variant.
Coding change: c.802A>G on transcript NM_024675.4 (MANE Select); coding-DNA position 802, A replaced by G.
Protein change: p.Lys268Glu; replaces lysine 268 with glutamic acid.
Molecular consequence: missense variant.
Genome position (GRCh38, 1-based): chr16:23,635,744, T>C on the plus strand (A>G on the coding strand, the complement: PALB2 is on the minus strand). VCF-style: chr16-23635744-T-C. GRCh37 (hg19) VCF-style: chr16-23647065-T-C.
Other names: short protein forms K268E.
Identifiers: ClinVar variation 568536 (VCV000568536.16), dbSNP rs1347572821, ClinGen allele CA395136014.